The following is an entry in ClinVar:

NM_007294.4(BRCA1):c.2710del (p.Glu904fs)

Gene: BRCA1 (BRCA1 DNA repair associated; minus strand). Cytogenetic location: 17q21.31.
Variant type: Deletion.
Coding change: c.2710del on transcript NM_007294.4 (MANE Select); coding-DNA position 2710, one base deleted (G; older notation c.2710delG).
Protein change: p.Glu904fs; shifts the reading frame from glutamic acid 904.
Molecular consequence: frameshift variant. On other transcripts: intron variant (137).
Genome position (GRCh38, 1-based): chr17:43,092,821, C deleted on the plus strand (G on the coding strand, the reverse complement: BRCA1 is on the minus strand). VCF-style (leftmost placement, unchanged base first): chr17-43092820-TC-T. GRCh37 (hg19) VCF-style: chr17-41244837-TC-T.
Other names: 2829delG; c.665-1789del (NM_001408426.1, NM_001408436.1, NM_001408444.1 and 12 more transcripts); c.788-1789del (NM_001407982.1, NM_001407970.1, NM_001407980.1 and 17 more transcripts); c.2497del, p.Glu833fs (NM_001407571.1, NM_001407853.1, NM_001407894.1 and 9 more transcripts); c.2710del, p.Glu904fs (NM_001407581.1, NM_001407582.1, NM_001407583.1 and 30 more transcripts); c.2707del, p.Glu903fs (NM_001407587.1, NM_001407590.1, NM_001407591.1 and 22 more transcripts); c.2701del, p.Glu901fs (NM_001407646.1, NM_001407647.1); c.2587del, p.Glu863fs (NM_001407648.1, NM_001407664.1, NM_001407665.1 and 19 more transcripts); and 43 more; short protein forms E904fs, E857fs, E792fs, E833fs, E834fs, E856fs, E608fs, E793fs.
Identifiers: ClinVar variation 266297 (VCV000266297.4), dbSNP rs886040066, ClinGen allele CA10589820.

ClinVar aggregate classification (germline): Pathogenic (3 of 4 stars; one submission).

Conditions:
Breast-ovarian cancer, familial, susceptibility to, 1 (BROVCA1). Also called: BRCA1 Hereditary Breast and Ovarian Cancer; OVARIAN CANCER, SUSCEPTIBILITY TO. Identifiers: Orphanet 145, MedGen C2676676, MONDO:0011450, OMIM 604370. Disease mechanism: loss of function.

Submission:

Evidence-based Network for the Interpretation of Germline Mutant Alleles (ENIGMA)
Classification: Pathogenic for Breast-ovarian cancer, familial, susceptibility to, 1. Last evaluated: 2016-10-18. Review status: reviewed by expert panel. Criteria: ENIGMA BRCA1/2 Classification Criteria (2015). Collection method: curation. Allele origin: germline.
Comment: Variant allele predicted to encode a truncated non-functional protein.